The following is an entry in ClinVar:

ClinVar aggregate classification (germline): Uncertain significance. Review status: criteria provided, multiple submitters, no conflicts (2 of 4 stars). 3 submissions from 3 submitters: Uncertain significance (2). 1 of the submissions does not count toward it. Last evaluated 2023-06-03.

Conditions:
Autosomal recessive congenital ichthyosis 2 (ARCI2). Identifiers: Orphanet 281122, Orphanet 79394, MedGen C3888093, MONDO:0009439, OMIM 242100.

Allele frequency attached by ClinVar (database versions not stated): ExAC below 0.00001; gnomAD exomes 0.00001; TOPMed 0.00007.

Submissions (3):

Women's Health and Genetics/Laboratory Corporation of America, LabCorp
Classification: Uncertain significance. Last evaluated: 2023-06-03. Review status: criteria provided, single submitter. Criteria: LabCorp Variant Classification Summary - May 2015. Collection method: clinical testing. Allele origin: germline.
Comment: Variant summary: ALOX12B c.1324C>T (p.Arg442Trp) results in a non-conservative amino acid change located in the C-terminal catalytic LOX domain (Akiyama_2010) of the encoded protein sequence. Five of five in-silico tools predict a damaging effect of the variant on protein function. The variant allele was found at a frequency of 1.3e-05 in 156902 control chromosomes. c.1324C>T has been reported in the literature as a biallelic compound heterozygous genotype and a homozygous genotype in at-least two individuals affected with features of Lamellar Ichthyosis (example, Diociaiuti_2016, Hotz_2021). These data indicate that the variant may be associated with disease. To our knowledge, no experimental evidence demonstrating an impact on protein function has been reported. The following publications have been ascertained in the context of this evaluation (PMID: 20222929, 32253496, 31046801, 26762237, 33435499, 36003334). One clinical diagnostic laboratory has submitted clinical-significance assessments for this variant to ClinVar after 2014 without evidence for independent evaluation and classified the variant as pathogenic. Based on the evidence outlined above, the variant was classified as VUS-possibly pathogenic.

Juno Genomics, Hangzhou Juno Genomics, Inc
Classification: Uncertain significance for Autosomal recessive congenital ichthyosis 2. Review status: criteria provided, single submitter. Criteria: ACMG Guidelines, 2015. Collection method: clinical testing. Allele origin: germline. Affected: yes.
Comment: Absent from controls (or at extremely low frequency if recessive) in Genome Aggregation Database, Exome Sequencing Project, 1000 Genomes Project, or Exome Aggregation Consortium.;Multiple lines of computational evidence support a deleterious effect on the gene or gene product (conservation, evolutionary, splicing impact, etc).

Institute for Human Genetics, University Medical Center Freiburg
Classification: Pathogenic for Autosomal recessive congenital ichthyosis 2. Last evaluated: 2021-01-07. Review status: no assertion criteria provided. Collection method: clinical testing. Allele origin: unknown. Affected: yes. Not counted in ClinVar's aggregate classification.

Literature cited by the submitters: PubMed 31046801 (cited by Women's Health and Genetics/Laboratory Corporation of America, LabCorp); PubMed 26762237 (cited by Women's Health and Genetics/Laboratory Corporation of America, LabCorp); PubMed 33435499 (cited by Women's Health and Genetics/Laboratory Corporation of America, LabCorp); PubMed 20222929 (cited by Women's Health and Genetics/Laboratory Corporation of America, LabCorp); PubMed 32253496 (cited by Women's Health and Genetics/Laboratory Corporation of America, LabCorp); PubMed 36003334 (cited by Women's Health and Genetics/Laboratory Corporation of America, LabCorp).

NM_001139.3(ALOX12B):c.1324C>T (p.Arg442Trp)

Gene: ALOX12B (arachidonate 12-lipoxygenase, 12R type; minus strand). Cytogenetic location: 17p13.1.
Variant type: single nucleotide variant.
Coding change: c.1324C>T on transcript NM_001139.3 (MANE Select); coding-DNA position 1324, C replaced by T.
Protein change: p.Arg442Trp; replaces arginine 442 with tryptophan.
Molecular consequence: missense variant.
Genome position (GRCh38, 1-based): chr17:8,076,695, G>A on the plus strand (C>T on the coding strand, the complement: ALOX12B is on the minus strand). VCF-style: chr17-8076695-G-A. GRCh37 (hg19) VCF-style: chr17-7980013-G-A.
Other names: short protein forms R442W.
Identifiers: ClinVar variation 995714 (VCV000995714.5), dbSNP rs764862348, ClinGen allele CA8367341.